The following is an entry in ClinVar:

NM_024105.4(ALG12):c.1414G>A (p.Val472Ile)

Gene: ALG12 (ALG12 alpha-1,6-mannosyltransferase; minus strand). Cytogenetic location: 22q13.33.
Variant type: single nucleotide variant.
Coding change: c.1414G>A on transcript NM_024105.4 (MANE Select); coding-DNA position 1414, G replaced by A.
Protein change: p.Val472Ile; replaces valine 472 with isoleucine.
Molecular consequence: missense variant.
Genome position (GRCh38, 1-based): chr22:49,903,891, C>T on the plus strand (G>A on the coding strand, the complement: ALG12 is on the minus strand). VCF-style: chr22-49903891-C-T. GRCh37 (hg19) VCF-style: chr22-50297539-C-T.
Other names: short protein forms V472I.
Identifiers: ClinVar variation 2144322 (VCV002144322.1), dbSNP rs763171796, ClinGen allele CA10300220.

ClinVar aggregate classification (germline): Uncertain significance (1 of 4 stars; one submission).

Conditions:
ALG12-congenital disorder of glycosylation (CDG1G). Also called: Congenital disorder of glycosylation, type Ig; CDG Ig; ALG12-CDG. Identifiers: Orphanet 79324, MedGen C2931001, MONDO:0011783, OMIM 607143.

Allele frequency attached by ClinVar (database versions not stated): gnomAD 0.00001; gnomAD exomes 0.00006; ExAC 0.00012.
gnomAD v4.1: 83 of 1,614,066 alleles (0.0051%); highest among the groups gnomAD compares: South Asian, 0.081%; no homozygotes.

Submission:

Labcorp Genetics (formerly Invitae), Labcorp
Classification: Uncertain significance for ALG12-congenital disorder of glycosylation. Last evaluated: 2022-08-10. Review status: criteria provided, single submitter. Criteria: Invitae Variant Classification Sherloc (09022015). Collection method: clinical testing. Allele origin: germline.
Comment: This sequence change replaces valine, which is neutral and non-polar, with isoleucine, which is neutral and non-polar, at codon 472 of the ALG12 protein (p.Val472Ile). This variant is present in population databases (rs763171796, gnomAD 0.07%). This variant has not been reported in the literature in individuals affected with ALG12-related conditions. Algorithms developed to predict the effect of missense changes on protein structure and function output the following: SIFT: "Tolerated"; PolyPhen-2: "Benign"; Align-GVGD: "Class C0". The isoleucine amino acid residue is found in multiple mammalian species, which suggests that this missense change does not adversely affect protein function. In summary, the available evidence is currently insufficient to determine the role of this variant in disease. Therefore, it has been classified as a Variant of Uncertain Significance.